The following is an entry in ClinVar:

ClinVar aggregate classification (germline): Benign (1 of 4 stars; one submission).

Conditions:
Holt-Oram syndrome (HOS). Also called: Ventriculo-radial syndrome; Cardiac-limb syndrome; Heart-hand syndrome, type 1; TBX5-Related Holt-Oram Syndrome. Identifiers: Orphanet 392, MedGen C0265264, MONDO:0007732, OMIM 142900.

Allele frequency attached by ClinVar (database versions not stated): TOPMed 0.00329; 1000 Genomes Project 30x 0.00234; 1000 Genomes Project 0.00240; gnomAD 0.00296 and 0.00273; gnomAD exomes 0.00011.
gnomAD v4.1: 414 of 171,574 alleles (0.24%); highest among the groups gnomAD compares: African/African-American, 0.9%; 1 homozygote.

Submission:

Illumina Laboratory Services, Illumina
Classification: Benign for Holt-Oram syndrome. Last evaluated: 2018-01-13. Review status: criteria provided, single submitter. Criteria: ICSL Variant Classification Criteria 13 December 2019. Collection method: clinical testing. Allele origin: germline.
Comment: This variant was observed in the ICSL laboratory as part of a predisposition screen in an ostensibly healthy population. It had not been previously curated by ICSL or reported in the Human Gene Mutation Database (HGMD: prior to June 1st, 2018), and was therefore a candidate for classification through an automated scoring system. Utilizing variant allele frequency, disease prevalence and penetrance estimates, and inheritance mode, an automated score was calculated to assess if this variant is too frequent to cause the disease. Based on the score and internal cut-off values, a variant classified as benign is not then subjected to further curation. The score for this variant resulted in a classification of benign for this disease.

NM_181486.4(TBX5):c.*480G>A

Gene: TBX5 (T-box transcription factor 5; minus strand). Cytogenetic location: 12q24.21.
Variant type: single nucleotide variant.
Coding change: c.*480G>A on transcript NM_181486.4 (MANE Select); 480 bases downstream of the stop codon, G replaced by A.
Molecular consequence: 3 prime UTR variant.
Genome position (GRCh38, 1-based): chr12:114,355,052, C>T on the plus strand (G>A on the coding strand, the complement: TBX5 is on the minus strand). VCF-style: chr12-114355052-C-T. GRCh37 (hg19) VCF-style: chr12-114792857-C-T.
Other names: c.*480G>A (NM_000192.3, NM_080717.4).
Identifiers: ClinVar variation 307294 (VCV000307294.5), dbSNP rs569991822, ClinGen allele CA10641021.
Genomic context (GRCh38, chr12:114,355,052, plus strand): 5'-GTTTACTTGAAGGGAATCCCGCAAGTACATATTTTGAAATATACTTGCCTCAGACCTCCC[C>T]CCAAATAAGGGACTGGGTCCCATTAAGAAAATTGAAAGAAAAAAATATATTATCATTTAT-3'